The following is an entry in ClinVar:

ClinVar aggregate classification (germline): Uncertain significance (1 of 4 stars; one submission).

gnomAD v4.1: 60 of 1,612,652 alleles (0.0037%); highest among the groups gnomAD compares: African/African-American, 0.069%; no homozygotes.

Submission:

Women's Health and Genetics/Laboratory Corporation of America, LabCorp
Classification: Uncertain significance. Last evaluated: 2025-03-12. Review status: criteria provided, single submitter. Criteria: LabCorp Variant Classification Summary - May 2015. Collection method: clinical testing. Allele origin: germline.
Comment: Variant summary: UBTF c.30C>A (p.Asp10Glu) results in a conservative amino acid change in the encoded protein sequence. Four of five in-silico tools predict a benign effect of the variant on protein function. The variant allele was found at a frequency of 6e-05 in 249366 control chromosomes, predominantly at a frequency of 0.00087 within the African or African-American subpopulation in the gnomAD database. This frequency is not significantly higher than estimated for a pathogenic variant in UBTF causing Childhood-Onset Motor And Cognitive Regression Syndrome With Extrapyramidal Movement Disorder, allowing no conclusion about variant significance. To our knowledge, no occurrence of c.30C>A in individuals affected with Childhood-Onset Motor And Cognitive Regression Syndrome With Extrapyramidal Movement Disorder and no experimental evidence demonstrating its impact on protein function have been reported. No submitters have cited clinical-significance assessments for this variant to ClinVar. Based on the evidence outlined above, the variant was classified as uncertain significance.

NM_014233.4(UBTF):c.30C>A (p.Asp10Glu)

Genes: ATXN7L3-AS1 (ATXN7L3 antisense RNA 1; plus strand), UBTF (upstream binding transcription factor; minus strand). Cytogenetic location: 17q21.31.
Variant type: single nucleotide variant.
Coding change: c.30C>A on transcript NM_014233.4 (MANE Select); coding-DNA position 30, C replaced by A.
Protein change: p.Asp10Glu; replaces aspartic acid 10 with glutamic acid.
Molecular consequence: missense variant. On other transcripts: non-coding transcript variant (1).
Genome position (GRCh38, 1-based): chr17:44,218,200, G>T on the plus strand (C>A on the coding strand, the complement: UBTF is on the minus strand). VCF-style: chr17-44218200-G-T. GRCh37 (hg19) VCF-style: chr17-42295568-G-T.
Other names: c.30C>A, p.Asp10Glu (NM_001076683.2, NM_001076684.3); short protein forms D10E.
Identifiers: ClinVar variation 3895679 (VCV003895679.1).